The following is an entry in ClinVar:

NM_001267550.2(TTN):c.88009+2T>G

Genes: TTN (titin; minus strand), TTN-AS1 (TTN antisense RNA 1; plus strand). Cytogenetic location: 2q31.2.
Variant type: single nucleotide variant.
Coding change: c.88009+2T>G on transcript NM_001267550.2 (MANE Select); the canonical splice donor site of the intron after coding-DNA position 88009, T replaced by G.
Molecular consequence: splice donor variant.
Genome position (GRCh38, 1-based): chr2:178,557,251, A>C on the plus strand (T>G on the coding strand, the complement: TTN is on the minus strand). VCF-style: chr2-178557251-A-C. GRCh37 (hg19) VCF-style: chr2-179421978-A-C.
Other names: c.60814+2T>G (NM_003319.4); c.61390+2T>G (NM_133437.4); c.61189+2T>G (NM_133432.3); c.80305+2T>G (NM_133378.4); c.83086+2T>G (NM_001256850.1).
Identifiers: ClinVar variation 1348421 (VCV001348421.20), dbSNP rs1701869111, ClinGen allele CA349532403.

ClinVar aggregate classification (germline): Likely pathogenic. Review status: criteria provided, multiple submitters, no conflicts (2 of 4 stars). 2 submissions from 2 submitters: Likely pathogenic (2). Last evaluated 2024-10-01.

Conditions:
Autosomal recessive limb-girdle muscular dystrophy type 2J (LGMDR10). Also called: MUSCULAR DYSTROPHY, LIMB-GIRDLE, AUTOSOMAL RECESSIVE 10; Limb-girdle muscular dystrophy, type 2J. Identifiers: Orphanet 140922, MedGen C1837342, MONDO:0012127, OMIM 608807.
Dilated cardiomyopathy 1G (CMD1G). Identifiers: Orphanet 154, MedGen C1858763, MONDO:0011400, OMIM 604145.

Submissions (2):

CeGaT Center for Human Genetics Tuebingen
Classification: Likely pathogenic. Last evaluated: 2024-10-01. Review status: criteria provided, single submitter. Criteria: CeGaT Center For Human Genetics Tuebingen Variant Classification Criteria Version 2. Collection method: clinical testing. Allele origin: germline. Affected: yes. Observed: 1 variant allele.
Comment: TTN: PVS1:Strong, PM2

Labcorp Genetics (formerly Invitae), Labcorp
Classification: Likely pathogenic for Dilated cardiomyopathy 1G; Autosomal recessive limb-girdle muscular dystrophy type 2J. Last evaluated: 2022-06-28. Review status: criteria provided, single submitter. Criteria: Invitae Variant Classification Sherloc (09022015). Collection method: clinical testing. Allele origin: germline.
Comment: In summary, the currently available evidence indicates that the variant is pathogenic, but additional data are needed to prove that conclusively. Therefore, this variant has been classified as Likely Pathogenic. This variant is located in the A band of TTN (PMID: 25589632). Truncating variants in this region are significantly overrepresented in patients affected with dilated cardiomyopathy (PMID: 25589632). Truncating variants in this region have also been reported in individuals affected with autosomal recessive centronuclear myopathy (PMID: 23975875). Algorithms developed to predict the effect of sequence changes on RNA splicing suggest that this variant may disrupt the consensus splice site. This variant has not been reported in the literature in individuals affected with TTN-related conditions. This variant is not present in population databases (gnomAD no frequency). This sequence change affects a donor splice site in intron 329 of the TTN gene. It is expected to disrupt RNA splicing and likely results in a truncated or disrupted TTN protein.

Literature cited by the submitters: PubMed 25589632 (cited by Labcorp Genetics (formerly Invitae), Labcorp); PubMed 23975875 (cited by Labcorp Genetics (formerly Invitae), Labcorp).